The following is an entry in ClinVar:

NM_177438.3(DICER1):c.1841_1842dup (p.Val615fs)

Gene: DICER1 (dicer 1, ribonuclease III; minus strand). Cytogenetic location: 14q32.13.
Variant type: Microsatellite.
Coding change: c.1841_1842dup on transcript NM_177438.3 (MANE Select); coding-DNA positions 1841 to 1842, 2 bases duplicated (AT; older notation c.1841_1842dupAT).
Protein change: p.Val615fs; shifts the reading frame from valine 615.
Molecular consequence: frameshift variant. On other transcripts: non-coding transcript variant (6).
Genome position (GRCh38, 1-based): chr14:95,115,732-95,115,733, AT duplicated on the plus strand (AT on the coding strand, the reverse complement: DICER1 is on the minus strand); duplicating any 2 consecutive bases within chr14:95,115,732-95,115,735 gives the same sequence; the c. name uses the placement nearest the transcript's 3' end. VCF-style (leftmost placement, unchanged base first): chr14-95115731-C-CAT. GRCh37 (hg19) VCF-style: chr14-95582068-C-CAT.
Other names: c.1841_1842dup, p.Val615fs (NM_001195573.1, NM_001271282.3, NM_001291628.2 and 12 more transcripts); c.1559_1560dup, p.Val521fs (NM_001395686.1); c.1436_1437dup, p.Val480fs (NM_001395687.1, NM_001395688.1, NM_001395689.1 and 3 more transcripts); c.1274_1275dup, p.Val426fs (NM_001395691.1); c.158_159dup, p.Val54fs (NM_001395697.1); c.1839_1840AT[3], p.Val615Metfs (NM_177438.2); c.1841_1842dupAT (NM_177438.2); short protein forms V480fs, V426fs, V521fs, V54fs, V615fs.
Identifiers: ClinVar variation 4636933 (VCV004636933.1).
Genomic context (GRCh38, chr14:95,115,731, plus strand): 5'-TGATGTGTCCAATGGCCGTGTTGATTGTGACTCGTGGACCACCATCGTCAGGCCTCAACA[C>CAT]ATATGGTGGGAAAACGTCATCATCATCCATGACAGGATCAATGTCAGTCTCACCAGTATC-3'

ClinVar aggregate classification (germline): Pathogenic (1 of 4 stars; one submission).

Conditions:
Hereditary cancer-predisposing syndrome. Also called: Neoplastic Syndromes, Hereditary; Tumor predisposition; Hereditary Cancer Syndrome; Hereditary neoplastic syndrome. Identifiers: Orphanet 140162, MedGen C0027672, MeSH D009386, MONDO:0015356.

Submission:

Ambry Genetics
Classification: Pathogenic for Hereditary cancer-predisposing syndrome. Last evaluated: 2025-10-02. Review status: criteria provided, single submitter. Criteria: Ambry Variant Classification Scheme 2023. Collection method: clinical testing. Allele origin: germline.
Comment: The c.1841_1842dupAT pathogenic mutation, located in coding exon 10 of the DICER1 gene, results from a duplication of AT at nucleotide position 1841, causing a translational frameshift with a predicted alternate stop codon (p.V615Mfs*3). This variant is considered to be rare based on population cohorts in the Genome Aggregation Database (gnomAD). This alteration is expected to result in loss of function by premature protein truncation or nonsense-mediated mRNA decay. As such, this alteration is interpreted as a disease-causing mutation.